The following is an entry in ClinVar:

NM_145207.3(AFG2A):c.700C>A (p.Gln234Lys)

Gene: AFG2A (AFG2 AAA ATPase homolog A; plus strand). Cytogenetic location: 4q28.1.
Variant type: single nucleotide variant.
Coding change: c.700C>A on transcript NM_145207.3 (MANE Select); coding-DNA position 700, C replaced by A.
Protein change: p.Gln234Lys; replaces glutamine 234 with lysine.
Molecular consequence: missense variant.
Genome position (GRCh38, 1-based): chr4:122,934,291, C>A. VCF-style: chr4-122934291-C-A. GRCh37 (hg19) VCF-style: chr4-123855446-C-A.
Other names: c.697C>A, p.Gln233Lys (NM_001317799.2, NM_001345856.2); short protein forms Q233K, Q234K.
Identifiers: ClinVar variation 639051 (VCV000639051.6), dbSNP rs775269863, ClinGen allele CA358101854.

ClinVar aggregate classification (germline): Uncertain significance. Review status: criteria provided, multiple submitters, no conflicts (2 of 4 stars). 2 submissions from 2 submitters: Uncertain significance (2). Last evaluated 2022-09-06.

Conditions:
Microcephaly-intellectual disability-sensorineural hearing loss-epilepsy-abnormal muscle tone syndrome (NEDHSB). Also called: NEURODEVELOPMENTAL DISORDER WITH HEARING LOSS, SEIZURES, AND BRAIN ABNORMALITIES. Identifiers: Orphanet 457351, MedGen C4225276, MONDO:0014698, OMIM 616577.

Allele frequency attached by ClinVar (database versions not stated): TOPMed 0.00002.
gnomAD v4.1: 38 of 1,614,076 alleles (0.0024%); highest among the groups gnomAD compares: Non-Finnish European, 0.0031%; no homozygotes.

Submissions (2):

Labcorp Genetics (formerly Invitae), Labcorp
Classification: Uncertain significance for Microcephaly-intellectual disability-sensorineural hearing loss-epilepsy-abnormal muscle tone syndrome. Last evaluated: 2022-09-06. Review status: criteria provided, single submitter. Criteria: Invitae Variant Classification Sherloc (09022015). Collection method: clinical testing. Allele origin: germline.
Comment: This sequence change replaces glutamine, which is neutral and polar, with lysine, which is basic and polar, at codon 234 of the SPATA5 protein (p.Gln234Lys). This variant is present in population databases (no rsID available, gnomAD 0.0009%). This variant has not been reported in the literature in individuals affected with SPATA5-related conditions. ClinVar contains an entry for this variant (Variation ID: 639051). Advanced modeling of protein sequence and biophysical properties (such as structural, functional, and spatial information, amino acid conservation, physicochemical variation, residue mobility, and thermodynamic stability) performed at Invitae indicates that this missense variant is not expected to disrupt SPATA5 protein function. In summary, the available evidence is currently insufficient to determine the role of this variant in disease. Therefore, it has been classified as a Variant of Uncertain Significance.

GeneDx
Classification: Uncertain significance. Last evaluated: 2020-10-16. Review status: criteria provided, single submitter. Criteria: GeneDx Variant Classification Process June 2021. Collection method: clinical testing. Allele origin: germline. Affected: yes.
Comment: Not observed at a significant frequency in large population cohorts (Lek et al., 2016); In silico analysis supports that this missense variant does not alter protein structure/function; Has not been previously published as pathogenic or benign to our knowledge